The following is an entry in ClinVar:

NM_004736.4(XPR1):c.1139G>A (p.Arg380Gln)

Gene: XPR1 (xenotropic and polytropic retrovirus receptor 1; plus strand). Cytogenetic location: 1q25.3.
Variant type: single nucleotide variant.
Coding change: c.1139G>A on transcript NM_004736.4 (MANE Select); coding-DNA position 1139, G replaced by A.
Protein change: p.Arg380Gln; replaces arginine 380 with glutamine.
Molecular consequence: missense variant.
Genome position (GRCh38, 1-based): chr1:180,834,878, G>A. VCF-style: chr1-180834878-G-A. GRCh37 (hg19) VCF-style: chr1-180804014-G-A.
Other names: c.1139G>A, p.Arg380Gln (NM_001135669.2, NM_001328662.2); c.1139G>A (NM_004736.3); short protein forms R380Q.
Identifiers: ClinVar variation 1053261 (VCV001053261.11), dbSNP rs1350814422, ClinGen allele CA343840319.

ClinVar aggregate classification (germline): Uncertain significance. Review status: criteria provided, multiple submitters, no conflicts (2 of 4 stars). 2 submissions from 2 submitters: Uncertain significance (2). Last evaluated 2025-04-23.

Conditions:
XPR1-related disorder. Also called: XPR1-related condition.

Allele frequency attached by ClinVar (database versions not stated): gnomAD exomes below 0.00001; gnomAD 0.00001.
gnomAD v4.1: 8 of 1,588,222 alleles (0.0005%); highest among the groups gnomAD compares: South Asian, 0.0012%; no homozygotes.

Submissions (2):

PreventionGenetics, part of Exact Sciences
Classification: Uncertain significance for XPR1-related condition. Last evaluated: 2025-04-23. Review status: criteria provided, single submitter. Criteria: ACMG Guidelines, 2015. Collection method: clinical testing. Allele origin: germline.
Comment: The XPR1 c.1139G>A variant is predicted to result in the amino acid substitution p.Arg380Gln. To our knowledge, this variant has not been reported in the literature. This variant is reported in 0.0039% of alleles in individuals of South Asian descent in gnomAD. At this time, the clinical significance of this variant is uncertain due to the absence of conclusive functional and genetic evidence.

Labcorp Genetics (formerly Invitae), Labcorp
Classification: Uncertain significance. Last evaluated: 2023-07-13. Review status: criteria provided, single submitter. Criteria: Invitae Variant Classification Sherloc (09022015). Collection method: clinical testing. Allele origin: germline.
Comment: This sequence change replaces arginine, which is basic and polar, with glutamine, which is neutral and polar, at codon 380 of the XPR1 protein (p.Arg380Gln). The frequency data for this variant in the population databases is considered unreliable, as metrics indicate poor data quality at this position in the gnomAD database. This variant has not been reported in the literature in individuals affected with XPR1-related conditions. ClinVar contains an entry for this variant (Variation ID: 1053261). Advanced modeling of protein sequence and biophysical properties (such as structural, functional, and spatial information, amino acid conservation, physicochemical variation, residue mobility, and thermodynamic stability) performed at Invitae indicates that this missense variant is expected to disrupt XPR1 protein function. In summary, the available evidence is currently insufficient to determine the role of this variant in disease. Therefore, it has been classified as a Variant of Uncertain Significance.